The following is an entry in ClinVar:

ClinVar aggregate classification (germline): Pathogenic (1 of 4 stars; one submission).

Conditions:
Carnitine palmitoyltransferase II deficiency. Also called: Carnitine Palmitoyltransferase 2 Deficiency. Identifiers: Orphanet 157, MedGen C0342790, MONDO:0015515.

Allele frequency attached by ClinVar (database versions not stated): gnomAD exomes below 0.00001; ExAC 0.00001.

Submission:

Labcorp Genetics (formerly Invitae), Labcorp
Classification: Pathogenic for Carnitine palmitoyltransferase II deficiency. Last evaluated: 2023-11-25. Review status: criteria provided, single submitter. Criteria: Invitae Variant Classification Sherloc (09022015). Collection method: clinical testing. Allele origin: germline.
Comment: This sequence change creates a premature translational stop signal (p.Trp374*) in the CPT2 gene. It is expected to result in an absent or disrupted protein product. Loss-of-function variants in CPT2 are known to be pathogenic (PMID: 16781677, 16996287). This variant is present in population databases (rs771486286, gnomAD 0.002%). This variant has not been reported in the literature in individuals affected with CPT2-related conditions. For these reasons, this variant has been classified as Pathogenic.

Literature cited by the submitters: PubMed 16781677; PubMed 16996287.

NM_000098.3(CPT2):c.1121G>A (p.Trp374Ter)

Gene: CPT2 (carnitine palmitoyltransferase 2; plus strand). Cytogenetic location: 1p32.3.
Variant type: single nucleotide variant.
Coding change: c.1121G>A on transcript NM_000098.3 (MANE Select); coding-DNA position 1121, G replaced by A.
Protein change: p.Trp374Ter; replaces tryptophan 374 with a stop codon.
Molecular consequence: nonsense.
Genome position (GRCh38, 1-based): chr1:53,210,795, G>A. VCF-style: chr1-53210795-G-A. GRCh37 (hg19) VCF-style: chr1-53676467-G-A.
Other names: c.1121G>A, p.Trp374Ter (NM_001330589.2); short protein forms W374*.
Identifiers: ClinVar variation 2741899 (VCV002741899.3), dbSNP rs771486286, ClinGen allele CA859130.
Genomic context (GRCh38, chr1:53,210,795, plus strand): 5'-AATCCTTTAACCTCATTATCGCCAAGGATGGCTCTACTGCCGTCCACTTTGAGCACTCTT[G>A]GGGTGATGGTGTGGCAGTGCTCAGATTTTTTAATGAAGTATTTAAAGACAGCACTCAGAC-3'